The following is an entry in ClinVar:

NM_006180.6(NTRK2):c.1619T>A (p.Leu540His)

Gene: NTRK2 (neurotrophic receptor tyrosine kinase 2; plus strand). Cytogenetic location: 9q21.33.
Variant type: single nucleotide variant.
Coding change: c.1619T>A on transcript NM_006180.6 (MANE Select); coding-DNA position 1619, T replaced by A.
Protein change: p.Leu540His; replaces leucine 540 with histidine.
Molecular consequence: missense variant.
Genome position (GRCh38, 1-based): chr9:84,867,417, T>A. VCF-style: chr9-84867417-T-A. GRCh37 (hg19) VCF-style: chr9-87482332-T-A.
Other names: c.1571T>A, p.Leu524His (NM_001018064.3, NM_001018066.3, NM_001369532.1 and 2 more transcripts); c.1619T>A, p.Leu540His (NM_001018065.2, NM_001369537.1); c.1535T>A, p.Leu512His (NM_001369534.1); c.1103T>A, p.Leu368His (NM_001369535.1); c.1151T>A, p.Leu384His (NM_001369536.1); short protein forms L368H, L384H, L512H, L524H, L540H.
Identifiers: ClinVar variation 3350384 (VCV003350384.2).

ClinVar aggregate classification (germline): Uncertain significance. Review status: criteria provided, single submitter (1 of 4 stars). 2 submissions from 2 submitters: Uncertain significance (1). 1 of the submissions does not count toward it. Last evaluated 2026-06-12.

Conditions:
NTRK2-related disorder. Also called: NTRK2-related condition.

gnomAD v4.1: 4 of 1,613,626 alleles (0.00025%); highest among the groups gnomAD compares: South Asian, 0.0044%; no homozygotes.

Submissions (2):

Women's Health and Genetics/Laboratory Corporation of America, LabCorp
Classification: Uncertain significance. Last evaluated: 2026-06-12. Review status: criteria provided, single submitter. Criteria: LabCorp Variant Classification Summary - May 2015. Collection method: clinical testing. Allele origin: germline.
Comment: Variant summary: NTRK2 c.1619T>A (p.Leu540His) results in a non-conservative amino acid change in the encoded protein sequence. Algorithms developed to predict the effect of missense changes on protein structure and function all suggest that this variant is likely to be disruptive. The variant allele was found at a frequency of 4e-06 in 250418 control chromosomes. The available data on variant occurrences in the general population are insufficient to allow any conclusion about variant significance. To our knowledge, no occurrence of c.1619T>A in individuals affected with NTRK2-related conditions and no experimental evidence demonstrating its impact on protein function have been reported. ClinVar contains an entry for this variant (Variation ID: 3350384). Based on the evidence outlined above, the variant was classified as uncertain significance.

PreventionGenetics, part of Exact Sciences
Classification: Uncertain significance for NTRK2-related condition. Last evaluated: 2024-04-04. Review status: no assertion criteria provided. Collection method: clinical testing. Allele origin: germline. Not counted in ClinVar's aggregate classification.
Comment: The NTRK2 c.1619T>A variant is predicted to result in the amino acid substitution p.Leu540His. To our knowledge, this variant has not been reported in the literature. This variant is reported in 0.0033% of alleles in individuals of South Asian descent in gnomAD. At this time, the clinical significance of this variant is uncertain due to the absence of conclusive functional and genetic evidence.